The following is an entry in ClinVar:

NM_022918.4(TMEM135):c.397-11_397-10dup

Gene: TMEM135 (transmembrane protein 135; plus strand). Cytogenetic location: 11q14.2.
Variant type: Duplication.
Coding change: c.397-11_397-10dup on transcript NM_022918.4 (MANE Select); 11 bases into the intron before coding-DNA position 397 through 10 bases into the intron before coding-DNA position 397, 2 bases duplicated (TT; older notation c.397-11_397-10dupTT).
Molecular consequence: intron variant.
Genome position (GRCh38, 1-based): chr11:87,157,330-87,157,331, TT duplicated; duplicating any 2 consecutive bases within chr11:87,157,320-87,157,331 gives the same sequence; the c. name uses the placement nearest the transcript's 3' end. VCF-style (leftmost placement, unchanged base first): chr11-87157319-G-GTT. GRCh37 (hg19) VCF-style: chr11-86868361-G-GTT.
Other names: c.396+65935_396+65936dup (NM_001168724.2).
Identifiers: ClinVar variation 3034533 (VCV003034533.2), dbSNP rs59532014, ClinGen allele CA6218766.
Genomic context (GRCh38, chr11:87,157,319, plus strand): 5'-TTCACATTTAGGGTGTGGGATATACAATTGAGGAGAGATTGTAGATCATATATTTTTGCT[G>GTT]TTTTTTTTTTTTAATTTACAGGCCACAGAAACACTATTCAGAATGGGTGTAGCAAGAGGA-3'

ClinVar aggregate classification (germline): Likely benign (0 of 4 stars; one submission).

Conditions:
TMEM135-related disorder. Also called: TMEM135-related condition.

Submission:

PreventionGenetics, part of Exact Sciences
Classification: Likely benign for TMEM135-related condition. Last evaluated: 2019-08-08. Review status: no assertion criteria provided. Collection method: clinical testing. Allele origin: germline.
Comment: This variant is classified as likely benign based on ACMG/AMP sequence variant interpretation guidelines (Richards et al. 2015 PMID: 25741868, with internal and published modifications).